The following is an entry in ClinVar:

NM_004320.6(ATP2A1):c.1966C>T (p.Arg656Ter)

Gene: ATP2A1 (ATPase sarcoplasmic/endoplasmic reticulum Ca2+ transporting 1; plus strand). Cytogenetic location: 16p11.2.
Variant type: single nucleotide variant.
Coding change: c.1966C>T on transcript NM_004320.6 (MANE Select); coding-DNA position 1966, C replaced by T.
Protein change: p.Arg656Ter; replaces arginine 656 with a stop codon.
Molecular consequence: nonsense.
Genome position (GRCh38, 1-based): chr16:28,900,782, C>T. VCF-style: chr16-28900782-C-T. GRCh37 (hg19) VCF-style: chr16-28912103-C-T.
Other names: c.1591C>T, p.Arg531Ter (NM_001286075.2); c.1966C>T, p.Arg656Ter (NM_173201.5); c.1966C>T (NM_173201.3); short protein forms R531*, R656*.
Identifiers: ClinVar variation 1360311 (VCV001360311.7), dbSNP rs559067146, ClinGen allele CA7987132.

ClinVar aggregate classification (germline): Pathogenic. Review status: criteria provided, multiple submitters, no conflicts (2 of 4 stars). 2 submissions from 2 submitters: Pathogenic (2). Last evaluated 2026-03-25.

Conditions:
Brody myopathy. Also called: BRODY DISEASE. Identifiers: Orphanet 53347, MedGen C1832918, MONDO:0010977, OMIM 601003.

Allele frequency attached by ClinVar (database versions not stated): gnomAD 0.00001; 1000 Genomes Project 30x 0.00031; 1000 Genomes Project 0.00040.
gnomAD v4.1: 9 of 1,614,188 alleles (0.00056%); highest among the groups gnomAD compares: South Asian, 0.0044%; no homozygotes.

Submissions (2):

GeneDx
Classification: Pathogenic. Last evaluated: 2026-03-25. Review status: criteria provided, single submitter. Criteria: GeneDx Variant Classification Process June 2021. Collection method: clinical testing. Allele origin: germline.
Comment: Nonsense variant predicted to result in protein truncation or nonsense mediated decay in a gene for which loss of function is a known mechanism of disease; Not observed at significant frequency in large population cohorts (gnomAD); This variant is associated with the following publications: (PMID: 32040565)

Labcorp Genetics (formerly Invitae), Labcorp
Classification: Pathogenic for Brody myopathy. Last evaluated: 2023-08-10. Review status: criteria provided, single submitter. Criteria: Invitae Variant Classification Sherloc (09022015). Collection method: clinical testing. Allele origin: germline.
Comment: For these reasons, this variant has been classified as Pathogenic. ClinVar contains an entry for this variant (Variation ID: 1360311). This premature translational stop signal has been observed in individual(s) with Brody disease (PMID: 32040565). This variant is present in population databases (rs559067146, gnomAD 0.006%). This sequence change creates a premature translational stop signal (p.Arg656*) in the ATP2A1 gene. It is expected to result in an absent or disrupted protein product. Loss-of-function variants in ATP2A1 are known to be pathogenic (PMID: 8841193, 10914677, 23911890).

Literature cited by the submitters: PubMed 32040565 (cited by Labcorp Genetics (formerly Invitae), Labcorp); PubMed 8841193 (cited by Labcorp Genetics (formerly Invitae), Labcorp); PubMed 10914677 (cited by Labcorp Genetics (formerly Invitae), Labcorp); PubMed 23911890 (cited by Labcorp Genetics (formerly Invitae), Labcorp).